The following is an entry in ClinVar:

ClinVar aggregate classification (germline): Benign/Likely benign. Review status: criteria provided, multiple submitters, no conflicts (2 of 4 stars). 4 submissions from 4 submitters: Benign (1); Likely benign (3). Last evaluated 2024-07-29.

Conditions:
Hereditary cancer-predisposing syndrome. Also called: Neoplastic Syndromes, Hereditary; Tumor predisposition; Hereditary Cancer Syndrome; Hereditary neoplastic syndrome. Identifiers: Orphanet 140162, MedGen C0027672, MeSH D009386, MONDO:0015356.
Familial cancer of breast. Also called: BREAST CANCER, FAMILIAL; Hereditary breast cancer; hereditary breast carcinoma. Identifiers: Orphanet 227535, MedGen C0346153, MONDO:0016419, OMIM 114480. Disease mechanism: loss of function.

Allele frequency attached by ClinVar (database versions not stated): gnomAD exomes below 0.00001.
gnomAD v4.1: 3 of 1,613,996 alleles (0.00019%); highest among the groups gnomAD compares: South Asian, 0.0011%; no homozygotes.

Submissions (4):

Myriad Genetics, Inc.
Classification: Benign for Familial cancer of breast. Last evaluated: 2024-07-29. Review status: criteria provided, single submitter. Criteria: Myriad Autosomal Dominant, Autosomal Recessive and X-Linked Classification Criteria (2023). Collection method: clinical testing. Allele origin: unknown.
Comment: This variant is considered benign. This variant is a silent/synonymous amino acid change and it is not expected to impact splicing.

Labcorp Genetics (formerly Invitae), Labcorp
Classification: Likely benign for Familial cancer of breast. Last evaluated: 2024-07-04. Review status: criteria provided, single submitter. Criteria: Invitae Variant Classification Sherloc (09022015). Collection method: clinical testing. Allele origin: germline.

Ambry Genetics
Classification: Likely benign for Hereditary cancer-predisposing syndrome. Last evaluated: 2023-05-03. Review status: criteria provided, single submitter. Criteria: Ambry Variant Classification Scheme 2023. Collection method: clinical testing. Allele origin: germline.

Color Diagnostics, LLC DBA Color Health
Classification: Likely benign for Hereditary cancer-predisposing syndrome. Last evaluated: 2018-12-03. Review status: criteria provided, single submitter. Criteria: ACMG Guidelines, 2015. Collection method: clinical testing. Allele origin: germline.

NM_000465.4(BARD1):c.1950G>A (p.Lys650=)

Gene: BARD1 (BRCA1 associated RING domain 1; minus strand). Cytogenetic location: 2q35.
Variant type: single nucleotide variant.
Coding change: c.1950G>A on transcript NM_000465.4 (MANE Select); coding-DNA position 1950, G replaced by A.
Protein change: p.Lys650=; no amino-acid change (lysine 650 retained).
Molecular consequence: synonymous variant. On other transcripts: non-coding transcript variant (3).
Genome position (GRCh38, 1-based): chr2:214,730,462, C>T on the plus strand (G>A on the coding strand, the complement: BARD1 is on the minus strand). VCF-style: chr2-214730462-C-T. GRCh37 (hg19) VCF-style: chr2-215595186-C-T.
Other names: c.1893G>A, p.Lys631= (NM_001282543.2); c.597G>A, p.Lys199= (NM_001282545.2); c.540G>A, p.Lys180= (NM_001282548.2); c.411G>A, p.Lys137= (NM_001282549.2); c.1950G>A (NM_000465.2).
Identifiers: ClinVar variation 919129 (VCV000919129.14), dbSNP rs1692302613, ClinGen allele CA431139382.
Genomic context (GRCh38, chr2:214,730,462, plus strand): 5'-GAAAAATACCAGCTGTTCTCTGTTGAGCCTGCTTCTGCGTGGACCTTCAGGAATTTCATA[C>T]TTTTCTTCCTGTTCACATACTTTTCTTCGTAGACATGCTTTTACCCCTGACAAAAACACA-3'
Protein context (NP_000456.2, residues 640-660): LRRKVCEQEE[Lys650=]YEIPEGPRRS